The following is an entry in ClinVar:

ClinVar aggregate classification (germline): Uncertain significance (1 of 4 stars; one submission).

Conditions:
Hereditary cancer-predisposing syndrome. Also called: Neoplastic Syndromes, Hereditary; Tumor predisposition; Hereditary neoplastic syndrome; Hereditary Cancer Syndrome. Identifiers: Orphanet 140162, MedGen C0027672, MeSH D009386, MONDO:0015356.

Submission:

Ambry Genetics
Classification: Uncertain significance for Hereditary cancer-predisposing syndrome. Last evaluated: 2024-03-13. Review status: criteria provided, single submitter. Criteria: Ambry Variant Classification Scheme 2023. Collection method: clinical testing. Allele origin: germline.
Comment: The p.G630S variant (also known as c.1888G>A), located in coding exon 11 of the SMARCA4 gene, results from a G to A substitution at nucleotide position 1888. The glycine at codon 630 is replaced by serine, an amino acid with similar properties. This amino acid position is highly conserved in available vertebrate species. In addition, this alteration is predicted to be deleterious by in silico analysis. Based on the available evidence, the clinical significance of this alteration remains unclear.

NM_003072.5(SMARCA4):c.1888G>A (p.Gly630Ser)

Gene: SMARCA4 (SWI/SNF related BAF chromatin remodeling complex subunit ATPase 4; plus strand). Cytogenetic location: 19p13.2.
Variant type: single nucleotide variant.
Coding change: c.1888G>A on transcript NM_003072.5 (MANE Select); coding-DNA position 1888, G replaced by A.
Protein change: p.Gly630Ser; replaces glycine 630 with serine.
Molecular consequence: missense variant. On other transcripts: non-coding transcript variant (1).
Genome position (GRCh38, 1-based): chr19:11,003,104, G>A. VCF-style: chr19-11003104-G-A. GRCh37 (hg19) VCF-style: chr19-11113780-G-A.
Other names: c.1888G>A, p.Gly630Ser (NM_001128844.3, NM_001128845.2, NM_001128846.2 and 6 more transcripts); short protein forms G630S.
Identifiers: ClinVar variation 3233080 (VCV003233080.1), dbSNP rs2146097248, ClinGen allele CA404051609.